The following is an entry in ClinVar:

NM_000069.3(CACNA1S):c.1420C>T (p.Leu474Phe)

Gene: CACNA1S (calcium voltage-gated channel subunit alpha1 S; minus strand). Cytogenetic location: 1q32.1.
Variant type: single nucleotide variant.
Coding change: c.1420C>T on transcript NM_000069.3 (MANE Select); coding-DNA position 1420, C replaced by T.
Protein change: p.Leu474Phe; replaces leucine 474 with phenylalanine.
Molecular consequence: missense variant.
Genome position (GRCh38, 1-based): chr1:201,078,078, G>A on the plus strand (C>T on the coding strand, the complement: CACNA1S is on the minus strand). VCF-style: chr1-201078078-G-A. GRCh37 (hg19) VCF-style: chr1-201047206-G-A.
Other names: short protein forms L474F.
Identifiers: ClinVar variation 3386382 (VCV003386382.1).

ClinVar aggregate classification (germline): Uncertain significance (1 of 4 stars; one submission).

Conditions:
Malignant hyperthermia, susceptibility to, 5 (MHS5). Also called: CACNA1S-Related Malignant Hyperthermia Susceptibility. Identifiers: Orphanet 423, MedGen C1866077, MONDO:0011163, OMIM 601887.

Submission:

All of Us Research Program, National Institutes of Health
Classification: Uncertain significance for Malignant hyperthermia, susceptibility to, 5. Last evaluated: 2024-09-23. Review status: criteria provided, single submitter. Criteria: ACMG Guidelines, 2015. Collection method: clinical testing. Allele origin: germline. Inheritance: Autosomal dominant inheritance. Observed: 1 variant allele, 1 heterozygote.
Comment: This study involves interpretation of variants in research participants for the purpose of population health screening. Participant phenotype was not available at the time of variant classification. Additional details can be found in publication PMID: 35346344, PMCID: PMC8962531